The following is an entry in ClinVar:

NM_015631.6(TCTN3):c.910dup (p.Thr304fs)

Gene: TCTN3 (tectonic family member 3; minus strand). Cytogenetic location: 10q24.1.
Variant type: Duplication.
Coding change: c.910dup on transcript NM_015631.6 (MANE Select); coding-DNA position 910, one base duplicated (A; older notation c.910dupA).
Protein change: p.Thr304fs; shifts the reading frame from threonine 304.
Molecular consequence: frameshift variant. On other transcripts: intron variant (1).
Genome position (GRCh38, 1-based): chr10:95,685,615, T duplicated on the plus strand (A on the coding strand, the reverse complement: TCTN3 is on the minus strand). VCF-style (leftmost placement, unchanged base first): chr10-95685614-G-GT. GRCh37 (hg19) VCF-style: chr10-97445371-G-GT.
Other names: c.964dup, p.Thr322Asnfs (NM_001013840.1); c.651+880dup (NM_001143973.2); short protein forms T304fs.
Identifiers: ClinVar variation 2027808 (VCV002027808.6), dbSNP rs1157302392, ClinGen allele CA670271452.

ClinVar aggregate classification (germline): Pathogenic/Likely pathogenic. Review status: criteria provided, multiple submitters, no conflicts (2 of 4 stars). 3 submissions from 3 submitters: Pathogenic (2); Likely pathogenic (1). Last evaluated 2023-09-14.

Conditions:
Inborn genetic diseases. Identifiers: MedGen C0950123, MeSH D030342.
TCTN3-related disorder. Also called: TCTN3-related condition.
Orofacial-digital syndrome IV (OFD4). Also called: OFD SYNDROME WITH TIBIAL DEFECTS; OFD SYNDROME, BARAITSER-BURN TYPE; OFDS IV; ORAL-FACIAL-DIGITAL SYNDROME, TYPE IV; MOHR-MAJEWSKI SYNDROME; Orofaciodigital syndrome IV. Identifiers: Orphanet 2753, MedGen C0406727, MONDO:0009794, OMIM 258860.
Joubert syndrome 18 (JBTS18). Identifiers: Orphanet 2754, MedGen C3553758, MONDO:0013896, OMIM 614815.

Allele frequency attached by ClinVar (database versions not stated): gnomAD exomes below 0.00001; TOPMed below 0.00001.

Submissions (3):

Blueprint Genetics
Classification: Likely pathogenic for TCTN3-related disorders. Last evaluated: 2023-09-14. Review status: criteria provided, single submitter. Criteria: ACMG Guidelines, 2015. Collection method: clinical testing. Allele origin: germline. Affected: yes. Observed: 1 variant allele.

Ambry Genetics
Classification: Pathogenic for Inborn genetic diseases. Last evaluated: 2022-10-12. Review status: criteria provided, single submitter. Criteria: Ambry Variant Classification Scheme 2023. Collection method: clinical testing. Allele origin: germline.
Comment: The c.910dupA (p.T304Nfs*5) alteration, located in exon 8 (coding exon 8) of the TCTN3 gene, consists of a duplication of A at position 910, causing a translational frameshift with a predicted alternate stop codon after 5 amino acids. This alteration is expected to result in loss of function by premature protein truncation or nonsense-mediated mRNA decay. This variant was not reported in population-based cohorts in the Genome Aggregation Database (gnomAD). Based on the available evidence, this alteration is classified as pathogenic.

Labcorp Genetics (formerly Invitae), Labcorp
Classification: Pathogenic for Joubert syndrome 18; Orofacial-digital syndrome IV. Last evaluated: 2022-08-29. Review status: criteria provided, single submitter. Criteria: Invitae Variant Classification Sherloc (09022015). Collection method: clinical testing. Allele origin: germline.
Comment: For these reasons, this variant has been classified as Pathogenic. This variant has not been reported in the literature in individuals affected with TCTN3-related conditions. This variant is not present in population databases (gnomAD no frequency). This sequence change creates a premature translational stop signal (p.Thr304Asnfs*5) in the TCTN3 gene. It is expected to result in an absent or disrupted protein product. Loss-of-function variants in TCTN3 are known to be pathogenic (PMID: 2692869, 22883145, 25118024).

Literature cited by the submitters: PubMed 2692869 (cited by Labcorp Genetics (formerly Invitae), Labcorp); PubMed 22883145 (cited by Labcorp Genetics (formerly Invitae), Labcorp); PubMed 25118024 (cited by Labcorp Genetics (formerly Invitae), Labcorp).